The following is an entry in ClinVar:

NM_005609.4(PYGM):c.1768+2T>G

Gene: PYGM (glycogen phosphorylase, muscle associated; minus strand). Cytogenetic location: 11q13.1.
Variant type: single nucleotide variant.
Coding change: c.1768+2T>G on transcript NM_005609.4 (MANE Select); the canonical splice donor site of the intron after coding-DNA position 1768, T replaced by G.
Molecular consequence: splice donor variant.
Genome position (GRCh38, 1-based): chr11:64,751,922, A>C on the plus strand (T>G on the coding strand, the complement: PYGM is on the minus strand). VCF-style: chr11-64751922-A-C. GRCh37 (hg19) VCF-style: chr11-64519394-A-C.
Other names: c.1504+2T>G (NM_001164716.1); c.1768+2T>G (NM_005609.3).
Identifiers: ClinVar variation 371363 (VCV000371363.17), dbSNP rs747513238, ClinGen allele CA6079760.

ClinVar aggregate classification (germline): Pathogenic/Likely pathogenic. Review status: criteria provided, multiple submitters, no conflicts (2 of 4 stars). 6 submissions from 6 submitters: Pathogenic (2); Likely pathogenic (3). 1 of the submissions does not count toward it. Last evaluated 2026-01-03.

Conditions:
Glycogen storage disease, type V (GSD5). Also called: McArdle type glycogen storage disease; MCARDLE DISEASE; MUSCLE GLYCOGEN PHOSPHORYLASE DEFICIENCY; MYOPHOSPHORYLASE DEFICIENCY; PYGM DEFICIENCY. Identifiers: Orphanet 368, MedGen C0017924, MONDO:0009293, OMIM 232600.

Allele frequency attached by ClinVar (database versions not stated): TOPMed below 0.00001; ExAC 0.00001; gnomAD exomes 0.00001 and 0.00002.
gnomAD v4.1: 6 of 1,614,166 alleles (0.00037%); highest among the groups gnomAD compares: Admixed American, 0.01%; no homozygotes.

Submissions (6):

Labcorp Genetics (formerly Invitae), Labcorp
Classification: Pathogenic for Glycogen storage disease, type V. Last evaluated: 2026-01-03. Review status: criteria provided, single submitter. Criteria: Invitae Variant Classification Sherloc (09022015). Collection method: clinical testing. Allele origin: germline.
Comment: This sequence change affects a donor splice site in intron 14 of the PYGM gene. It is expected to disrupt RNA splicing. Variants that disrupt the donor or acceptor splice site typically lead to a loss of protein function (PMID: 16199547), and loss-of-function variants in PYGM are known to be pathogenic (PMID: 8316268, 16786513). This variant is present in population databases (rs747513238, gnomAD 0.02%). Disruption of this splice site has been observed in individuals with glycogen storage disease type V (GSD V), also known as McArdle disease (PMID: 8279469, 22250184, 30415384). ClinVar contains an entry for this variant (Variation ID: 371363). Algorithms developed to predict the effect of sequence changes on RNA splicing suggest that this variant may disrupt the consensus splice site. For these reasons, this variant has been classified as Pathogenic.

Myriad Genetics, Inc.
Classification: Likely pathogenic for Glycogen storage disease, type V. Last evaluated: 2025-11-10. Review status: criteria provided, single submitter. Criteria: Myriad Autosomal Dominant, Autosomal Recessive and X-Linked Classification Criteria (2023). Collection method: clinical testing. Allele origin: unknown.
Comment: NM_005609.2(PYGM):c.1768+2T>G is a variant in a canonical splice site classified as likely pathogenic in the context of glycogen storage disease, PYGM-related. c.1768+2T>G has not been observed in cases with relevant disease. Relevant functional assessments of this variant are not available in the literature. c.1768+2T>G has been observed in referenced population frequency databases. In summary, NM_005609.2(PYGM):c.1768+2T>G is a variant in a canonical splice site in a gene where loss of function is a known mechanism of disease and is predicted to disrupt protein function. Please note: this variant was assessed in the context of healthy population screening.

Natera, Inc.
Classification: Pathogenic for Glycogen storage disease V. Last evaluated: 2025-03-13. Review status: criteria provided, single submitter. Criteria: Natera Variant Classification Schema (03/2026). Collection method: clinical testing. Allele origin: germline.
Comment: The c.1768+2T>G variant in PYGM is a canonical splice donor site variant predicted to affect pre-mRNA splicing, which may result in an abnormal transcript and altered protein product. This variant is expected to result in nonsense mediated decay, truncation, or a dysfunctional protein product. This variant is rare in the general population with a frequency below the threshold expected for the associated phenotype(s). Another variant at this same site results in an alteration predicted to cause a similar molecular effect has been observed in individual(s) with the associated phenotype. Given the available evidence, this variant is classified as Pathogenic.

Baylor Genetics
Classification: Likely pathogenic for Glycogen storage disease, type V. Last evaluated: 2024-03-27. Review status: criteria provided, single submitter. Criteria: ACMG Guidelines, 2015. Collection method: clinical testing. Allele origin: unknown.

Fulgent Genetics
Classification: Likely pathogenic for Glycogen storage disease, type V. Last evaluated: 2023-12-23. Review status: criteria provided, single submitter. Criteria: ACMG Guidelines, 2015. Collection method: clinical testing. Allele origin: germline.

Counsyl
Classification: Likely pathogenic for Glycogen storage disease, type V. Last evaluated: 2016-09-08. Review status: no assertion criteria provided. Collection method: clinical testing. Allele origin: unknown. Not counted in ClinVar's aggregate classification.

Literature cited by the submitters: PubMed 16199547 (cited by Labcorp Genetics (formerly Invitae), Labcorp); PubMed 8316268 (cited by Labcorp Genetics (formerly Invitae), Labcorp); PubMed 16786513 (cited by Labcorp Genetics (formerly Invitae), Labcorp); PubMed 8279469 (cited by Labcorp Genetics (formerly Invitae), Labcorp); PubMed 22250184 (cited by Labcorp Genetics (formerly Invitae), Labcorp); PubMed 30415384 (cited by Labcorp Genetics (formerly Invitae), Labcorp).